The following is an entry in ClinVar:

NM_175914.5(HNF4A):c.1032T>A (p.Ile344=)

Gene: HNF4A (hepatocyte nuclear factor 4 alpha; plus strand). Cytogenetic location: 20q13.12.
Variant type: single nucleotide variant.
Coding change: c.1032T>A on transcript NM_175914.5 (MANE Select); coding-DNA position 1032, T replaced by A.
Protein change: p.Ile344=; no amino-acid change (isoleucine 344 retained).
Molecular consequence: synonymous variant.
Genome position (GRCh38, 1-based): chr20:44,424,223, T>A. VCF-style: chr20-44424223-T-A. GRCh37 (hg19) VCF-style: chr20-43052863-T-A.
Other names: c.1098T>A, p.Ile366= (NM_000457.6, NM_178849.3, NM_178850.3); c.1032T>A, p.Ile344= (NM_001030003.3, NM_001030004.3); c.1077T>A, p.Ile359= (NM_001258355.2); c.1023T>A, p.Ile341= (NM_001287182.2, NM_001287183.2, NM_001287184.2).
Identifiers: ClinVar variation 447514 (VCV000447514.12), dbSNP rs145880201, ClinGen allele CA9870435.

ClinVar aggregate classification (germline): Benign/Likely benign. Review status: criteria provided, multiple submitters, no conflicts (2 of 4 stars). 7 submissions from 7 submitters: Benign (3); Likely benign (4). Last evaluated 2025-12-10.

Conditions:
Type 2 diabetes mellitus. Also called: Type II diabetes mellitus. Identifiers: MedGen C0011860, MeSH D003924, MONDO:0005148, OMIM 125853, HP:0005978.
Maturity-onset diabetes of the young type 1. Also called: MODY, type I; MILD JUVENILE DIABETES MELLITUS; MODY type 1; Diabetes mellitus MODY type 1; MODY HNF4A related; HNF4A-Related Maturity-Onset Diabetes of the Young Type 1. Identifiers: Orphanet 552, MedGen C1852093, MONDO:0007452, OMIM 125850. Disease mechanism: loss of function.
Fanconi renotubular syndrome 4 with maturity-onset diabetes of the young (FRTS4). Also called: FRTS4 WITH MODY. Identifiers: Orphanet 93111, MedGen C4014962, MONDO:0014458, OMIM 616026.
Maturity-onset diabetes of the young (MODY). Also called: Maturity onset diabetes mellitus in young. Identifiers: Orphanet 552, MedGen C0342276, MONDO:0018911, HP:0004904.

Allele frequency attached by ClinVar (database versions not stated): gnomAD exomes 0.00005 and 0.00010; ExAC 0.00013; 1000 Genomes Project 30x 0.00016; 1000 Genomes Project 0.00020; gnomAD 0.00056 and 0.00062; TOPMed 0.00064; ESP Exome Variant Server 0.00069.
gnomAD v4.1: 167 of 1,614,096 alleles (0.01%); highest among the groups gnomAD compares: African/African-American, 0.19%; 1 homozygote.

Submissions (7):

Labcorp Genetics (formerly Invitae), Labcorp
Classification: Benign. Last evaluated: 2025-12-10. Review status: criteria provided, single submitter. Criteria: Invitae Variant Classification Sherloc (09022015). Collection method: clinical testing. Allele origin: germline.

Fulgent Genetics
Classification: Likely benign for Maturity-onset diabetes of the young type 1; Type 2 diabetes mellitus; Fanconi renotubular syndrome 4 with maturity-onset diabetes of the young. Last evaluated: 2021-07-21. Review status: criteria provided, single submitter. Criteria: ACMG Guidelines, 2015. Collection method: clinical testing. Allele origin: unknown.

GeneDx
Classification: Likely benign. Last evaluated: 2020-12-03. Review status: criteria provided, single submitter. Criteria: GeneDx Variant Classification Process June 2021. Collection method: clinical testing. Allele origin: germline. Affected: yes.

Ambry Genetics
Classification: Likely benign for Maturity-onset diabetes of the young. Last evaluated: 2017-11-16. Review status: criteria provided, single submitter. Criteria: Ambry Variant Classification Scheme 2023. Collection method: clinical testing. Allele origin: germline.

Athena Diagnostics
Classification: Benign. Last evaluated: 2016-10-06. Review status: criteria provided, single submitter. Criteria: Athena Diagnostics Criteria. Collection method: clinical testing. Allele origin: germline.

Breakthrough Genomics
Classification: Likely benign. Review status: criteria provided, single submitter. Criteria: ACMG Guidelines, 2015. Collection method: not provided. Allele origin: germline. Inheritance: Autosomal dominant inheritance. Affected: yes.

Clinical Genomics, Uppaluri K&H Personalized Medicine Clinic
Classification: Benign for Maturity-onset diabetes of the young. Review status: criteria provided, single submitter. Criteria: K & H Uppaluri Personalized Medicine Clinic Variant Classification & Assertion Criteria_Updated V.1. Collection method: research. Allele origin: unknown. Inheritance: Autosomal dominant inheritance.
Comment: Potent mutations in HNF4A are associated with poor insulin secretion in response to hyperglycemia. Associated with MODY1. Patients initially respond well to sulfonylureas but eventually become insulin dependent. However, more evidence is required to ascertain the role of this particular variant rs145880201 in MODY, yet.

Literature cited by the submitters: DOI 10.1159/000334532 (cited by Clinical Genomics, Uppaluri K&H Personalized Medicine Clinic); PubMed 18268044 (cited by Clinical Genomics, Uppaluri K&H Personalized Medicine Clinic); PubMed 17563455 (cited by Clinical Genomics, Uppaluri K&H Personalized Medicine Clinic); PubMed 32583173 (cited by Clinical Genomics, Uppaluri K&H Personalized Medicine Clinic); PubMed 35052457 (cited by Clinical Genomics, Uppaluri K&H Personalized Medicine Clinic); PubMed 35118593 (cited by Clinical Genomics, Uppaluri K&H Personalized Medicine Clinic).